The following is an entry in ClinVar:

ClinVar aggregate classification (germline): Uncertain significance. Review status: criteria provided, multiple submitters, no conflicts (2 of 4 stars). 2 submissions from 2 submitters: Uncertain significance (2). Last evaluated 2022-04-08.

Conditions:
Retinitis pigmentosa 56 (RP56). Identifiers: Orphanet 791, MedGen C3150819, MONDO:0013314, OMIM 613581.

Allele frequency attached by ClinVar (database versions not stated): gnomAD exomes below 0.00001; TOPMed 0.00001.
gnomAD v4.1: 6 of 1,613,224 alleles (0.00037%); highest among the groups gnomAD compares: Non-Finnish European, 0.00051%; no homozygotes.

Submissions (2):

Sydney Genome Diagnostics, Children's Hospital Westmead
Classification: Uncertain significance for Retinitis pigmentosa 56. Last evaluated: 2022-04-08. Review status: criteria provided, single submitter. Criteria: ACMG Guidelines, 2015. Collection method: clinical testing. Allele origin: germline.
Comment: The variant has not been reported in any population databases (i.e. gnomAD v2.1.1, ESP or dbSNP, accessed: 19/04/2022). To our knowledge, this variant has not been previously reported in the literature or any disease specific databases. In silico analysis of pathogenicity (through Alamut Visual v2.13) using PolyPhen2, SIFT and MutationTaster suggest that this variant does not affect protein function and is likely to be benign. However, this analysis alone cannot be used to exclude pathogenicity. This variant is considered to be a variant of uncertain clinical significance (VOUS) according to the ACMG guidelines (evidence used: PM2, BP4).

Centre for Mendelian Genomics, University Medical Centre Ljubljana
Classification: Uncertain significance for Retinitis pigmentosa 56. Last evaluated: 2019-11-25. Review status: criteria provided, single submitter. Criteria: ACMG Guidelines, 2015. Collection method: clinical testing. Allele origin: unknown. Affected: yes.
Comment: This variant was classified as: Uncertain significance. The available evidence on this variant's pathogenicity is insufficient or conflicting. The following ACMG criteria were applied in classifying this variant: PM2,BP4.

NM_016247.4(IMPG2):c.586A>G (p.Thr196Ala)

Gene: IMPG2 (interphotoreceptor matrix proteoglycan 2; minus strand). Cytogenetic location: 3q12.3.
Variant type: single nucleotide variant.
Coding change: c.586A>G on transcript NM_016247.4 (MANE Select); coding-DNA position 586, A replaced by G.
Protein change: p.Thr196Ala; replaces threonine 196 with alanine.
Molecular consequence: missense variant.
Genome position (GRCh38, 1-based): chr3:101,275,743, T>C on the plus strand (A>G on the coding strand, the complement: IMPG2 is on the minus strand). VCF-style: chr3-101275743-T-C. GRCh37 (hg19) VCF-style: chr3-100994587-T-C.
Other names: short protein forms T196A.
Identifiers: ClinVar variation 930533 (VCV000930533.4), dbSNP rs1463411745, ClinGen allele CA353868375.
Genomic context (GRCh38, chr3:101,275,743, plus strand): 5'-AGCTGCTCTCTGAGGCACCTTCATAGGCGTCCACCTCTGGATGTGGAACACTGAGAGTAG[T>C]GTCTAAGAAGAAAAGCAAAAACATATGCATGAATTCAGTCCTCGATTAAGTCAGAATTCC-3'
Protein context (NP_057331.2, residues 186-206): PVGDTSTLGD[Thr196Ala]TLSVPHPEVD